The following is an entry in ClinVar:

ClinVar aggregate classification (germline): Uncertain significance (1 of 4 stars; one submission).

gnomAD v4.1: 2 of 1,614,128 alleles (0.00012%); highest among the groups gnomAD compares: South Asian, 0.0011%; no homozygotes.

Submission:

GeneDx
Classification: Uncertain significance. Last evaluated: 2026-04-17. Review status: criteria provided, single submitter. Criteria: GeneDx Variant Classification Process June 2021. Collection method: clinical testing. Allele origin: germline.
Comment: Not observed at significant frequency in large population cohorts (gnomAD); In silico analysis suggests that this missense variant does not alter protein structure/function; Has not been previously published as pathogenic or benign to our knowledge

NM_000827.4(GRIA1):c.2615G>A (p.Ser872Asn)

Gene: GRIA1 (glutamate ionotropic receptor AMPA type subunit 1; plus strand). Cytogenetic location: 5q33.2.
Variant type: single nucleotide variant.
Coding change: c.2615G>A on transcript NM_000827.4 (MANE Select); coding-DNA position 2615, G replaced by A.
Protein change: p.Ser872Asn; replaces serine 872 with asparagine.
Molecular consequence: missense variant. On other transcripts: non-coding transcript variant (2).
Genome position (GRCh38, 1-based): chr5:153,811,119, G>A. VCF-style: chr5-153811119-G-A. GRCh37 (hg19) VCF-style: chr5-153190679-G-A.
Other names: c.2615G>A, p.Ser872Asn (NM_001114183.2); c.2375G>A, p.Ser792Asn (NM_001258019.2); c.2330G>A, p.Ser777Asn (NM_001258020.2); c.2645G>A, p.Ser882Asn (NM_001258021.2, NM_001258022.2); c.2408G>A, p.Ser803Asn (NM_001258023.1, NM_001364167.2); c.2447G>A, p.Ser816Asn (NM_001364165.2); c.2642G>A, p.Ser881Asn (NM_001364166.2); short protein forms S777N, S792N, S803N, S816N, S872N, S881N, S882N.
Identifiers: ClinVar variation 5037370 (VCV005037370.1).